The following is an entry in ClinVar:

NM_024120.5(NDUFAF5):c.786T>G (p.Gly262=)

Gene: NDUFAF5 (NADH:ubiquinone oxidoreductase complex assembly factor 5; plus strand). Cytogenetic location: 20p12.1.
Variant type: single nucleotide variant.
Coding change: c.786T>G on transcript NM_024120.5 (MANE Select); coding-DNA position 786, T replaced by G.
Protein change: p.Gly262=; no amino-acid change (glycine 262 retained).
Molecular consequence: synonymous variant. On other transcripts: non-coding transcript variant (7).
Genome position (GRCh38, 1-based): chr20:13,816,470, T>G. VCF-style: chr20-13816470-T-G. GRCh37 (hg19) VCF-style: chr20-13797116-T-G.
Other names: c.702T>G, p.Gly234= (NM_001039375.3); c.315T>G, p.Gly105= (NM_001352403.2); c.225T>G, p.Gly75= (NM_001352406.2, NM_001352407.2).
Identifiers: ClinVar variation 2571134 (VCV002571134.27), dbSNP rs1568786789, ClinGen allele CA509678003.

ClinVar aggregate classification (germline): Likely benign (1 of 4 stars; one submission).

Allele frequency attached by ClinVar (database versions not stated): gnomAD exomes below 0.00001.
gnomAD v4.1: 1 of 1,613,240 alleles (0.000062%); highest among the groups gnomAD compares: Non-Finnish European, 0.000085%; no homozygotes.

Submission:

CeGaT Center for Human Genetics Tuebingen
Classification: Likely benign. Last evaluated: 2023-06-01. Review status: criteria provided, single submitter. Criteria: CeGaT Center For Human Genetics Tuebingen Variant Classification Criteria Version 2. Collection method: clinical testing. Allele origin: germline. Affected: yes. Observed: 1 variant allele.
Comment: NDUFAF5: PM2:Supporting, BP4, BP7